The following is an entry in ClinVar:

NM_020778.5(ALPK3):c.-65C>G

Gene: ALPK3 (alpha kinase 3; plus strand). Cytogenetic location: 15q25.3.
Variant type: single nucleotide variant.
Coding change: c.-65C>G on transcript NM_020778.5 (MANE Select); 65 bases upstream of the start codon, C replaced by G.
Molecular consequence: 5 prime UTR variant.
Genome position (GRCh38, 1-based): chr15:84,817,388, C>G. VCF-style: chr15-84817388-C-G. GRCh37 (hg19) VCF-style: chr15-85360619-C-G.
Identifiers: ClinVar variation 4808440 (VCV004808440.1).

ClinVar aggregate classification (germline): Uncertain significance (1 of 4 stars; one submission).

Submission:

Labcorp Genetics (formerly Invitae), Labcorp
Classification: Uncertain significance. Last evaluated: 2025-06-07. Review status: criteria provided, single submitter. Criteria: Invitae Variant Classification Sherloc (09022015). Collection method: clinical testing. Allele origin: germline.
Comment: This sequence change replaces alanine, which is neutral and non-polar, with glycine, which is neutral and non-polar, at codon 181 of the ALPK3 protein (p.Ala181Gly). This variant is present in population databases (no rsID available, gnomAD 0.007%). This variant has not been reported in the literature in individuals affected with ALPK3-related conditions. An algorithm developed to predict the effect of missense changes on protein structure and function (PolyPhen-2) suggests that this variant is likely to be tolerated. In summary, the available evidence is currently insufficient to determine the role of this variant in disease. Therefore, it has been classified as a Variant of Uncertain Significance.